The following is an entry in ClinVar:

NM_080669.6(SLC46A1):c.739C>T (p.His247Tyr)

Gene: SLC46A1 (solute carrier family 46 member 1; minus strand). Cytogenetic location: 17q11.2.
Variant type: single nucleotide variant.
Coding change: c.739C>T on transcript NM_080669.6 (MANE Select); coding-DNA position 739, C replaced by T.
Protein change: p.His247Tyr; replaces histidine 247 with tyrosine.
Molecular consequence: missense variant.
Genome position (GRCh38, 1-based): chr17:28,404,958, G>A on the plus strand (C>T on the coding strand, the complement: SLC46A1 is on the minus strand). VCF-style: chr17-28404958-G-A. GRCh37 (hg19) VCF-style: chr17-26731976-G-A.
Other names: c.739C>T, p.His247Tyr (NM_001242366.3); short protein forms H247Y.
Identifiers: ClinVar variation 1921954 (VCV001921954.2), dbSNP rs782571400, ClinGen allele CA8458283.

ClinVar aggregate classification (germline): Uncertain significance (1 of 4 stars; one submission).

Allele frequency attached by ClinVar (database versions not stated): gnomAD exomes below 0.00001; ExAC 0.00001; TOPMed 0.00001.

Submission:

Labcorp Genetics (formerly Invitae), Labcorp
Classification: Uncertain significance. Last evaluated: 2022-09-27. Review status: criteria provided, single submitter. Criteria: Invitae Variant Classification Sherloc (09022015). Collection method: clinical testing. Allele origin: germline.
Comment: This sequence change replaces histidine, which is basic and polar, with tyrosine, which is neutral and polar, at codon 247 of the SLC46A1 protein (p.His247Tyr). This variant is present in population databases (rs782571400, gnomAD 0.003%). This variant has not been reported in the literature in individuals affected with SLC46A1-related conditions. Experimental studies and prediction algorithms are not available or were not evaluated, and the functional significance of this variant is currently unknown. In summary, the available evidence is currently insufficient to determine the role of this variant in disease. Therefore, it has been classified as a Variant of Uncertain Significance.